The following is an entry in ClinVar:

ClinVar aggregate classification (germline): Uncertain significance (1 of 4 stars; one submission).

Allele frequency attached by ClinVar (database versions not stated): gnomAD exomes below 0.00001.
gnomAD v4.1: 1 of 1,614,010 alleles (0.000062%); highest among the groups gnomAD compares: Non-Finnish European, 0.000085%; no homozygotes.

Submission:

Labcorp Genetics (formerly Invitae), Labcorp
Classification: Uncertain significance. Last evaluated: 2022-10-04. Review status: criteria provided, single submitter. Criteria: Invitae Variant Classification Sherloc (09022015). Collection method: clinical testing. Allele origin: germline.
Comment: In summary, the available evidence is currently insufficient to determine the role of this variant in disease. Therefore, it has been classified as a Variant of Uncertain Significance. Advanced modeling of protein sequence and biophysical properties (such as structural, functional, and spatial information, amino acid conservation, physicochemical variation, residue mobility, and thermodynamic stability) performed at Invitae indicates that this missense variant is not expected to disrupt ADGRV1 protein function. ClinVar contains an entry for this variant (Variation ID: 1008279). This variant has not been reported in the literature in individuals affected with ADGRV1-related conditions. This variant is not present in population databases (gnomAD no frequency). This sequence change replaces threonine, which is neutral and polar, with isoleucine, which is neutral and non-polar, at codon 5252 of the ADGRV1 protein (p.Thr5252Ile).

NM_032119.4(ADGRV1):c.15755C>T (p.Thr5252Ile)

Gene: ADGRV1 (adhesion G protein-coupled receptor V1; plus strand). Cytogenetic location: 5q14.3.
Variant type: single nucleotide variant.
Coding change: c.15755C>T on transcript NM_032119.4 (MANE Select); coding-DNA position 15755, C replaced by T.
Protein change: p.Thr5252Ile; replaces threonine 5252 with isoleucine.
Molecular consequence: missense variant. On other transcripts: non-coding transcript variant (1).
Genome position (GRCh38, 1-based): chr5:90,811,015, C>T. VCF-style: chr5-90811015-C-T. GRCh37 (hg19) VCF-style: chr5-90106832-C-T.
Other names: short protein forms T5252I.
Identifiers: ClinVar variation 1008279 (VCV001008279.8), dbSNP rs1762394026, ClinGen allele CA360410751.